The following is an entry in ClinVar:

ClinVar aggregate classification (germline): Uncertain significance. Review status: criteria provided, multiple submitters, no conflicts (2 of 4 stars). 2 submissions from 2 submitters: Uncertain significance (2). Last evaluated 2024-07-25.

gnomAD v4.1: 1 of 1,613,576 alleles (0.000062%); highest among the groups gnomAD compares: Non-Finnish European, 0.000085%; no homozygotes.

Submissions (2):

Labcorp Genetics (formerly Invitae), Labcorp
Classification: Uncertain significance. Last evaluated: 2024-07-25. Review status: criteria provided, single submitter. Criteria: Invitae Variant Classification Sherloc (09022015). Collection method: clinical testing. Allele origin: germline.
Comment: This sequence change replaces serine, which is neutral and polar, with phenylalanine, which is neutral and non-polar, at codon 31 of the RPS20 protein (p.Ser31Phe). This variant is not present in population databases (gnomAD no frequency). This variant has not been reported in the literature in individuals affected with RPS20-related conditions. An algorithm developed to predict the effect of missense changes on protein structure and function (PolyPhen-2) suggests that this variant is likely to be disruptive. In summary, the available evidence is currently insufficient to determine the role of this variant in disease. Therefore, it has been classified as a Variant of Uncertain Significance.

Ambry Genetics
Classification: Uncertain significance. Last evaluated: 2023-12-20. Review status: criteria provided, single submitter. Criteria: Ambry Variant Classification Scheme 2023. Collection method: clinical testing. Allele origin: germline.
Comment: The p.S31F variant (also known as c.92C>T), located in coding exon 2 of the RPS20 gene, results from a C to T substitution at nucleotide position 92. The serine at codon 31 is replaced by phenylalanine, an amino acid with highly dissimilar properties. This amino acid position is conserved. In addition, this alteration is predicted to be deleterious by in silico analysis. Since supporting evidence is limited at this time, the clinical significance of this alteration remains unclear.

NM_001023.4(RPS20):c.92C>T (p.Ser31Phe)

Gene: RPS20 (ribosomal protein S20; minus strand). Cytogenetic location: 8q12.1.
Variant type: single nucleotide variant.
Coding change: c.92C>T on transcript NM_001023.4 (MANE Select); coding-DNA position 92, C replaced by T.
Protein change: p.Ser31Phe; replaces serine 31 with phenylalanine.
Molecular consequence: missense variant.
Genome position (GRCh38, 1-based): chr8:56,074,071, G>A on the plus strand (C>T on the coding strand, the complement: RPS20 is on the minus strand). VCF-style: chr8-56074071-G-A. GRCh37 (hg19) VCF-style: chr8-56986630-G-A.
Other names: c.92C>T (NM_001023.3); c.92C>T, p.Ser31Phe (NM_001146227.3); short protein forms S31F.
Identifiers: ClinVar variation 2728590 (VCV002728590.4), dbSNP rs2486985254, ClinGen allele CA371283680.
Genomic context (GRCh38, chr8:56,074,071, plus strand): 5'-TCGCTTTTCGCCCAATTCCCCCTCCCCCCCGCATAACGAATGCACTGACCCTTTTCCAAG[G>A]ATTTTACGTTGCGGCTTGTTAGGGTGATTCGAATTCGGTGAATTGCCACCTCCGGCTCCA-3'
Protein context (NP_001014.1, residues 21-41): RITLTSRNVK[Ser31Phe]LEKVCADLIR